The following is an entry in ClinVar:

ClinVar aggregate classification (germline): Conflicting classifications of pathogenicity. Review status: criteria provided, conflicting classifications (1 of 4 stars). 4 submissions from 4 submitters: Uncertain significance (1); Likely benign (3). Last evaluated 2026-07-15.

Conditions:
Cardiomyopathy (CMYO). Also called: Cardiomyopathies. Identifiers: Orphanet 167848, MedGen C0878544, MONDO:0004994, HP:0001638. Inheritance: Various modes of inheritance.
MYBPC3-related disorder. Also called: MYBPC3-related condition; MYBPC3-related disease; MYBPC3-related disorders.
Hypertrophic cardiomyopathy. Also called: HYPERTROPHIC MYOCARDIOPATHY. Identifiers: Orphanet 217569, MedGen C0007194, MeSH D002312, MONDO:0005045, HP:0001639.

Submissions (4):

PreventionGenetics, part of Exact Sciences
Classification: Likely benign for MYBPC3-related condition. Last evaluated: 2026-07-15. Review status: criteria provided, single submitter. Criteria: ACMG Guidelines, 2015. Collection method: clinical testing. Allele origin: germline.
Comment: This variant is classified as likely benign based on ACMG/AMP sequence variant interpretation guidelines (Richards et al. 2015 PMID: 25741868, with internal and published modifications).

Labcorp Genetics (formerly Invitae), Labcorp
Classification: Likely benign for Hypertrophic cardiomyopathy. Last evaluated: 2025-10-28. Review status: criteria provided, single submitter. Criteria: Invitae Variant Classification Sherloc (09022015). Collection method: clinical testing. Allele origin: germline.

Color Diagnostics, LLC DBA Color Health
Classification: Likely benign for Cardiomyopathy. Last evaluated: 2025-06-09. Review status: criteria provided, single submitter. Criteria: ACMG Guidelines, 2015. Collection method: clinical testing. Allele origin: germline.

All of Us Research Program, National Institutes of Health
Classification: Uncertain significance for Hypertrophic cardiomyopathy. Last evaluated: 2023-10-02. Review status: criteria provided, single submitter. Criteria: ACMG Guidelines, 2015. Collection method: clinical testing. Allele origin: germline. Inheritance: Autosomal dominant inheritance. Observed: 3 variant alleles, 3 heterozygotes.
Comment: This variant causes a deletion of two nucleotides in intron 9 of the MYBPC3 gene. Splice site prediction tools and conservation analysis are inconclusive regarding the impact of this variant on RNA splicing. To our knowledge, functional studies have not been reported for this variant. This variant has not been reported in individuals affected with cardiovascular disorders in the literature. This variant has been identified in 3/227864 chromosomes in the general population by the Genome Aggregation Database (gnomAD). The available evidence is insufficient to determine the role of this variant in disease conclusively. Therefore, this variant is classified as a Variant of Uncertain Significance.

This study involves interpretation of variants in research participants for the purpose of population health screening. Participant phenotype was not available at the time of variant classification. Additional details can be found in publication PMID: 35346344, PMCID: PMC8962531

NM_000256.3(MYBPC3):c.906-20CTG[5]

Gene: MYBPC3 (myosin binding protein C3; minus strand). Cytogenetic location: 11p11.2.
Variant type: Microsatellite.
Coding change: c.906-20CTG[5] on transcript NM_000256.3 (MANE Select); five copies in a row of the 3-base unit CTG starting at c.906-20; the reference has four copies in a row; one copy, 3 bases duplicated.
Molecular consequence: intron variant.
Genome position (GRCh38, 1-based): chr11:47,347,038-47,347,040, CAG duplicated on the plus strand (CTG on the coding strand, the reverse complement: MYBPC3 is on the minus strand); duplicating any 3 consecutive bases within chr11:47,347,038-47,347,050 gives the same sequence; the position shown is the placement nearest the transcript's 3' end. VCF-style (leftmost placement, unchanged base first): chr11-47347037-A-ACAG. GRCh37 (hg19) VCF-style: chr11-47368588-A-ACAG.
Other names: c.906-11_906-9dup (NM_000256.3); c.906-11_906-9dupCTG (NM_000256.3).
Identifiers: ClinVar variation 1607070 (VCV001607070.11), dbSNP rs751038432, ClinGen allele CA5975385.